The following is an entry in ClinVar:

ClinVar aggregate classification (germline): Conflicting classifications of pathogenicity. Review status: criteria provided, conflicting classifications (1 of 4 stars). 4 submissions from 4 submitters: Uncertain significance (2); Benign (1). 1 of the submissions does not count toward it. Last evaluated 2026-10-24.

Conditions:
Inborn genetic diseases. Identifiers: MedGen C0950123, MeSH D030342.
Nemaline myopathy 2 (NEM2). Also called: Nemaline myopathy 2, autosomal recessive. Identifiers: MedGen C1850569, MONDO:0009725, OMIM 256030.

Allele frequency attached by ClinVar (database versions not stated): gnomAD exomes 0.00003 and 0.00002; ExAC 0.00003; gnomAD 0.00006; TOPMed 0.00005.
gnomAD v4.1: 35 of 1,612,410 alleles (0.0022%); highest among the groups gnomAD compares: African/African-American, 0.019%; no homozygotes.

Submissions (4):

GeneDx
Classification: Uncertain significance. Last evaluated: 2026-10-24. Review status: criteria provided, single submitter. Criteria: GeneDx Variant Classification Process June 2021. Collection method: clinical testing. Allele origin: germline.
Comment: In silico analysis suggests that this missense variant does not alter protein structure/function; Has not been previously published as pathogenic or benign to our knowledge

Labcorp Genetics (formerly Invitae), Labcorp
Classification: Benign for Nemaline myopathy 2. Last evaluated: 2025-12-16. Review status: criteria provided, single submitter. Criteria: Invitae Variant Classification Sherloc (09022015). Collection method: clinical testing. Allele origin: germline.

Ambry Genetics
Classification: Uncertain significance for Inborn genetic diseases. Last evaluated: 2025-10-06. Review status: criteria provided, single submitter. Criteria: Ambry Variant Classification Scheme 2023. Collection method: clinical testing. Allele origin: germline.

Natera, Inc.
Classification: Uncertain significance for Nemaline myopathy type 2. Last evaluated: 2019-11-11. Review status: no assertion criteria provided. Collection method: clinical testing. Allele origin: germline. Not counted in ClinVar's aggregate classification.

NM_001164508.2(NEB):c.22832G>A (p.Arg7611Gln)

Genes: NEB (nebulin; minus strand), RIF1 (replication timing regulatory factor 1; plus strand). Cytogenetic location: 2q23.3.
Variant type: single nucleotide variant.
Coding change: c.22832G>A on transcript NM_001164508.2 (MANE Select); coding-DNA position 22832, G replaced by A.
Protein change: p.Arg7611Gln; replaces arginine 7611 with glutamine.
Molecular consequence: missense variant.
Genome position (GRCh38, 1-based): chr2:151,516,532, C>T on the plus strand (G>A on the coding strand, the complement: NEB is on the minus strand). VCF-style: chr2-151516532-C-T. GRCh37 (hg19) VCF-style: chr2-152373046-C-T.
Other names: c.22832G>A, p.Arg7611Gln (NM_001164507.2); c.22937G>A, p.Arg7646Gln (NM_001271208.2); c.17729G>A, p.Arg5910Gln (NM_004543.5); c.17729G>A (NM_004543.4); short protein forms R7646Q, R7611Q, R5910Q.
Identifiers: ClinVar variation 451655 (VCV000451655.10), dbSNP rs766072117, ClinGen allele CA1906518.